The following is an entry in ClinVar:

NM_001042492.3(NF1):c.2042G>A (p.Arg681Gln)

Gene: NF1 (neurofibromin 1; plus strand). Cytogenetic location: 17q11.2.
Variant type: single nucleotide variant.
Coding change: c.2042G>A on transcript NM_001042492.3 (MANE Select); coding-DNA position 2042, G replaced by A.
Protein change: p.Arg681Gln; replaces arginine 681 with glutamine.
Molecular consequence: missense variant.
Genome position (GRCh38, 1-based): chr17:31,226,475, G>A. VCF-style: chr17-31226475-G-A. GRCh37 (hg19) VCF-style: chr17-29553493-G-A.
Other names: c.2042G>A, p.Arg681Gln (NM_000267.4); short protein forms R681Q.
Identifiers: ClinVar variation 184891 (VCV000184891.16), dbSNP rs786201768, ClinGen allele CA190397.

ClinVar aggregate classification (germline): Conflicting classifications of pathogenicity. Review status: criteria provided, conflicting classifications (1 of 4 stars). 7 submissions from 6 submitters: Uncertain significance (6); Likely benign (1). Last evaluated 2025-10-13.

Conditions:
NF1-related disorder. Also called: NF1-related condition. Identifiers: MedGen CN379171.
Cardiovascular phenotype. Identifiers: MedGen CN230736.
Hereditary cancer-predisposing syndrome. Also called: Neoplastic Syndromes, Hereditary; Tumor predisposition; Hereditary neoplastic syndrome; Hereditary Cancer Syndrome. Identifiers: Orphanet 140162, MedGen C0027672, MeSH D009386, MONDO:0015356.
Neurofibromatosis, type 1 (NF1). Also called: VON RECKLINGHAUSEN DISEASE; Peripheral type neurofibromatosis; Neurofibromatosis, type I; NEUROFIBROMATOSIS, TYPE I, SOMATIC. Identifiers: Orphanet 636, MedGen C0027831, MONDO:0018975, OMIM 162200. Disease mechanism: loss of function.

Allele frequency attached by ClinVar (database versions not stated): gnomAD exomes below 0.00001; TOPMed below 0.00001.
gnomAD v4.1: 5 of 1,613,738 alleles (0.00031%); highest among the groups gnomAD compares: East Asian, 0.0045%; no homozygotes.

Submissions (7):

PreventionGenetics, part of Exact Sciences
Classification: Uncertain significance for NF1-related condition. Last evaluated: 2025-10-13. Review status: criteria provided, single submitter. Criteria: ACMG Guidelines, 2015. Collection method: clinical testing. Allele origin: germline.
Comment: The NF1 c.2042G>A variant is predicted to result in the amino acid substitution p.Arg681Gln. To our knowledge, this variant has not been reported in the literature. This variant is reported in 0.0054% of alleles in individuals of East Asian descent in gnomAD. At this time, the clinical significance of this variant is uncertain due to the absence of conclusive functional and genetic evidence.

Labcorp Genetics (formerly Invitae), Labcorp
Classification: Likely benign for Neurofibromatosis, type 1. Last evaluated: 2025-09-22. Review status: criteria provided, single submitter. Criteria: Invitae Variant Classification Sherloc (09022015). Collection method: clinical testing. Allele origin: germline.

GeneDx
Classification: Uncertain significance. Last evaluated: 2024-09-24. Review status: criteria provided, single submitter. Criteria: GeneDx Variant Classification Process June 2021. Collection method: clinical testing. Allele origin: germline. Affected: yes.
Comment: In silico analysis indicates that this missense variant does not alter protein structure/function; Has not been previously published as pathogenic or benign to our knowledge; This variant is associated with the following publications: (PMID: 25486365, 35158933)

Genome-Nilou Lab
Classification: Uncertain significance for Neurofibromatosis, type 1. Last evaluated: 2022-03-15. Review status: criteria provided, single submitter. Criteria: ACMG Guidelines, 2015. Collection method: clinical testing. Allele origin: germline. Affected: no.

Ambry Genetics
Classification: Uncertain significance for Cardiovascular phenotype; Hereditary cancer-predisposing syndrome. Last evaluated: 2021-11-05. Review status: criteria provided, single submitter. Criteria: Ambry Variant Classification Scheme 2023. Collection method: clinical testing. Allele origin: germline.

Ambry Genetics
Classification: Uncertain significance for Hereditary cancer-predisposing syndrome. Last evaluated: 2014-05-20. Review status: criteria provided, single submitter. Criteria: Ambry Autosomal Dominant and X-Linked criteria (10/2015). Collection method: clinical testing. Allele origin: germline. Observed: 1 variant allele.
Comment: Thep.R681Q variant (also known as c.2042G>A), located in coding exon 18 of theNF1 gene, results from a G to A substitution at nucleotide position 2042. The arginine at codon 681 is replaced by glutamine, an amino acid with highly similar properties. This variant was not reported in population based cohorts in the following databases: Database of Single Nucleotide Polymorphisms (dbSNP), NHLBI Exome Sequencing Project (ESP), and 1000 Genomes Project. To date, this alteration has been detected with an allele frequency of approximately 0.02% (greater than 5000 alleles tested) in our clinical cohort (includes this individual). This amino acid position is highly conserved in available vertebrate species. In addition, this alteration is predicted to be benign and tolerated by PolyPhen and SIFTin silico analyses, respectively. Since supporting evidence is limited at this time, the clinical significance of p.R681Q remains unclear.

Breakthrough Genomics
Classification: Uncertain significance. Review status: criteria provided, single submitter. Criteria: ACMG Guidelines, 2015. Collection method: not provided. Allele origin: germline. Inheritance: Autosomal dominant inheritance. Affected: yes.